The following is an entry in ClinVar:

NM_133259.4(LRPPRC):c.338G>T (p.Cys113Phe)

Gene: LRPPRC (leucine rich pentatricopeptide repeat containing; minus strand). Cytogenetic location: 2p21.
Variant type: single nucleotide variant.
Coding change: c.338G>T on transcript NM_133259.4 (MANE Select); coding-DNA position 338, G replaced by T.
Protein change: p.Cys113Phe; replaces cysteine 113 with phenylalanine.
Molecular consequence: missense variant.
Genome position (GRCh38, 1-based): chr2:43,982,246, C>A on the plus strand (G>T on the coding strand, the complement: LRPPRC is on the minus strand). VCF-style: chr2-43982246-C-A. GRCh37 (hg19) VCF-style: chr2-44209385-C-A.
Other names: short protein forms C113F.
Identifiers: ClinVar variation 1033050 (VCV001033050.2), dbSNP rs750132738, ClinGen allele CA1639408.
Genomic context (GRCh38, chr2:43,982,246, plus strand): 5'-GCCACTGTGACCAGCCAAAAGTCAACTTTATGAACAGGAAATTTTGAAATACCTGAGCGG[C>A]AGGTATCATTAAAAACTTTTTGTAGAAGCTTCTTTGGAATGCGGCCAGTTCTTCGAACAG-3'
Protein context (NP_573566.2, residues 103-123): KLLQKVFNDT[Cys113Phe]RSGGLGGSHA

ClinVar aggregate classification (germline): Uncertain significance. Review status: criteria provided, multiple submitters, no conflicts (2 of 4 stars). 2 submissions from 2 submitters: Uncertain significance (2). Last evaluated 2025-02-07.

Conditions:
Inborn genetic diseases. Identifiers: MedGen C0950123, MeSH D030342.
Congenital lactic acidosis, Saguenay-Lac-Saint-Jean type (MC4DN5). Also called: CYTOCHROME c OXIDASE DEFICIENCY, FRENCH CANADIAN TYPE; COX DEFICIENCY, FRENCH CANADIAN TYPE; MITOCHONDRIAL COMPLEX IV DEFICIENCY, NUCLEAR TYPE 5. Identifiers: Orphanet 70472, MedGen C1857355, MONDO:0009069, OMIM 220111.

Allele frequency attached by ClinVar (database versions not stated): ExAC 0.00001.

Submissions (2):

Ambry Genetics
Classification: Uncertain significance for Inborn genetic diseases. Last evaluated: 2025-02-07. Review status: criteria provided, single submitter. Criteria: Ambry Variant Classification Scheme 2023. Collection method: clinical testing. Allele origin: germline.

Baylor Genetics
Classification: Uncertain significance for Congenital lactic acidosis, Saguenay-Lac-Saint-Jean type. Last evaluated: 2018-07-21. Review status: criteria provided, single submitter. Criteria: ACMG Guidelines, 2015. Collection method: clinical testing. Allele origin: unknown. Affected: yes.
Comment: This variant was determined to be of uncertain significance according to ACMG Guidelines, 2015 [PMID:25741868].